The following is an entry in ClinVar:

NM_000937.5(POLR2A):c.5210C>A (p.Thr1737Asn)

Gene: POLR2A (RNA polymerase II subunit A; plus strand). Cytogenetic location: 17p13.1.
Variant type: single nucleotide variant.
Coding change: c.5210C>A on transcript NM_000937.5 (MANE Select); coding-DNA position 5210, C replaced by A.
Protein change: p.Thr1737Asn; replaces threonine 1737 with asparagine.
Molecular consequence: missense variant.
Genome position (GRCh38, 1-based): chr17:7,513,474, C>A. VCF-style: chr17-7513474-C-A. GRCh37 (hg19) VCF-style: chr17-7416793-C-A.
Other names: short protein forms T1737N.
Identifiers: ClinVar variation 2647363 (VCV002647363.24), dbSNP rs2508202302, ClinGen allele CA397837374.

ClinVar aggregate classification (germline): Uncertain significance (1 of 4 stars; one submission).

Submission:

CeGaT Center for Human Genetics Tuebingen
Classification: Uncertain significance. Last evaluated: 2023-08-01. Review status: criteria provided, single submitter. Criteria: CeGaT Center For Human Genetics Tuebingen Variant Classification Criteria Version 2. Collection method: clinical testing. Allele origin: germline. Affected: yes. Observed: 1 variant allele.
Comment: POLR2A: PM2, PP2